The following is an entry in ClinVar:

NM_000388.4(CASR):c.2156G>A (p.Trp719Ter)

Gene: CASR (calcium sensing receptor; plus strand). Cytogenetic location: 3q21.1.
Variant type: single nucleotide variant.
Coding change: c.2156G>A on transcript NM_000388.4 (MANE Select); coding-DNA position 2156, G replaced by A.
Protein change: p.Trp719Ter; replaces tryptophan 719 with a stop codon.
Molecular consequence: nonsense.
Genome position (GRCh38, 1-based): chr3:122,284,110, G>A. VCF-style: chr3-122284110-G-A. GRCh37 (hg19) VCF-style: chr3-122002957-G-A.
Other names: c.2186G>A, p.Trp729Ter (NM_001178065.2); short protein forms W719*, W729*.
Identifiers: ClinVar variation 1683780 (VCV001683780.2), dbSNP rs2107650046, ClinGen allele CA354158821.

ClinVar aggregate classification (germline): Pathogenic. Review status: criteria provided, single submitter (1 of 4 stars). 2 submissions from 2 submitters: Pathogenic (1). 1 of the submissions does not count toward it. Last evaluated 2025-10-23.

Conditions:
Familial hypocalciuric hypercalcemia (FHH). Also called: Familial benign hypercalcemia. Identifiers: Orphanet 405, MedGen C1809471, MONDO:0018458.
Autosomal dominant hypocalcemia 1 (HYPOC1). Also called: HYPOCALCEMIA, FAMILIAL. Identifiers: MedGen C3715128, MONDO:0011013, OMIM 601198.
Familial hypocalciuric hypercalcemia 1. Also called: Hypercalcemia, familial benign type 1. Identifiers: Orphanet 405, Orphanet 93372, MedGen C0342637, MONDO:0007791, OMIM 145980.

Submissions (2):

Labcorp Genetics (formerly Invitae), Labcorp
Classification: Pathogenic for Familial hypocalciuric hypercalcemia; Autosomal dominant hypocalcemia 1. Last evaluated: 2025-10-23. Review status: criteria provided, single submitter. Criteria: Invitae Variant Classification Sherloc (09022015). Collection method: clinical testing. Allele origin: germline.
Comment: This sequence change creates a premature translational stop signal (p.Trp719*) in the CASR gene. While this is not anticipated to result in nonsense mediated decay, it is expected to disrupt the last 360 amino acid(s) of the CASR protein. This variant is not present in population databases (gnomAD no frequency). This variant has not been reported in the literature in individuals affected with CASR-related conditions. ClinVar contains an entry for this variant (Variation ID: 1683780). This variant disrupts a region of the CASR protein in which other variant(s) (p.Gln735Lys) have been determined to be pathogenic (PMID: 32347971; internal data). This suggests that this is a clinically significant region of the protein, and that variants that disrupt it are likely to be disease-causing. For these reasons, this variant has been classified as Pathogenic.

Department of Traditional Chinese Medicine, Fujian Provincial Hospital
Classification: Pathogenic for Familial hypocalciuric hypercalcemia 1. Review status: no assertion criteria provided. Collection method: research. Allele origin: maternal. Affected: no. Not counted in ClinVar's aggregate classification.

Literature cited by the submitters: PubMed 32347971 (cited by Labcorp Genetics (formerly Invitae), Labcorp); PubMed 10843194 (cited by Department of Traditional Chinese Medicine, Fujian Provincial Hospital).